The following is an entry in ClinVar:

ClinVar aggregate classification (germline): Likely pathogenic. Review status: criteria provided, multiple submitters, no conflicts (2 of 4 stars). 3 submissions from 3 submitters: Likely pathogenic (3). Last evaluated 2026-01-14.

Conditions:
Hypertrophic cardiomyopathy. Also called: HYPERTROPHIC MYOCARDIOPATHY. Identifiers: Orphanet 217569, MedGen C0007194, MeSH D002312, MONDO:0005045, HP:0001639.
Hypertrophic cardiomyopathy 1 (CMH1). Also called: Familial hypertrophic cardiomyopathy 1; MYH7-Related Familial Hypertrophic Cardiomyopathy. Identifiers: MedGen C3495498, MONDO:0008647, OMIM 192600.

Submissions (3):

Labcorp Genetics (formerly Invitae), Labcorp
Classification: Likely pathogenic for Hypertrophic cardiomyopathy. Last evaluated: 2026-01-14. Review status: criteria provided, single submitter. Criteria: Invitae Variant Classification Sherloc (09022015). Collection method: clinical testing. Allele origin: germline.
Comment: This sequence change replaces lysine, which is basic and polar, with asparagine, which is neutral and polar, at codon 611 of the MYH7 protein (p.Lys611Asn). This variant is not present in population databases (gnomAD no frequency). This missense change has been observed in individuals with autosomal dominant MYH7-related conditions (internal data). ClinVar contains an entry for this variant (Variation ID: 952302). Invitae Evidence Modeling of protein sequence and biophysical properties (such as structural, functional, and spatial information, amino acid conservation, physicochemical variation, residue mobility, and thermodynamic stability) indicates that this missense variant is expected to disrupt MYH7 protein function with a positive predictive value of 95%. In summary, the currently available evidence indicates that the variant is pathogenic, but additional data are needed to prove that conclusively. Therefore, this variant has been classified as Likely Pathogenic.

3billion
Classification: Likely pathogenic for Hypertrophic cardiomyopathy 1. Last evaluated: 2025-11-25. Review status: criteria provided, single submitter. Criteria: ACMG Guidelines, 2015. Collection method: clinical testing. Allele origin: germline. Affected: yes.
Comment: The variant is not observed in the gnomAD v4.1.0 dataset. Predicted Consequence/Location: The variant is located in a mutational hot spot and/or well-established functional domain in which established pathogenic variants have been reported (PMID: 29300372). In silico tool predictions suggest damaging effect of the variant on gene or gene product [REVEL: 0.66 (>=0.6, sensitivity 0.68 and specificity 0.92); 3Cnet: 0.98 (> 0.75, sensitivity 0.96 and precision 0.92)]. The same nucleotide change resulting in the same amino acid change has been previously reported as pathogenic/likely pathogenic with strong evidence (ClinVar ID: VCV000952302 /3billion dataset). A different missense change at the same codon (p.Lys611Gln) has been reported to be associated with MYH7-related disorder (ClinVar ID: VCV000234755). Therefore, this variant is classified as Likely pathogenic according to the recommendation of ACMG/AMP guideline.

GeneDx
Classification: Likely pathogenic. Last evaluated: 2020-11-13. Review status: criteria provided, single submitter. Criteria: GeneDx Variant Classification Process June 2021. Collection method: clinical testing. Allele origin: germline. Affected: yes.
Comment: Has not been previously published as pathogenic or benign to our knowledge; Reported in ClinVar (ClinVar Variant ID# 952302; Landrum et al., 2016); Not observed in large population cohorts (Lek et al., 2016); In silico analysis supports that this missense variant has a deleterious effect on protein structure/function

NM_000257.4(MYH7):c.1833G>T (p.Lys611Asn)

Gene: MYH7 (myosin heavy chain 7; minus strand). Cytogenetic location: 14q11.2.
Variant type: single nucleotide variant.
Coding change: c.1833G>T on transcript NM_000257.4 (MANE Select); coding-DNA position 1833, G replaced by T.
Protein change: p.Lys611Asn; replaces lysine 611 with asparagine.
Molecular consequence: missense variant.
Genome position (GRCh38, 1-based): chr14:23,427,640, C>A on the plus strand (G>T on the coding strand, the complement: MYH7 is on the minus strand). VCF-style: chr14-23427640-C-A. GRCh37 (hg19) VCF-style: chr14-23896849-C-A.
Other names: short protein forms K611N.
Identifiers: ClinVar variation 952302 (VCV000952302.13), dbSNP rs1393494996, ClinGen allele CA389049720.